The following is an entry in ClinVar:

ClinVar aggregate classification (germline): Uncertain significance (1 of 4 stars; one submission).

Allele frequency attached by ClinVar (database versions not stated): TOPMed below 0.00001; gnomAD 0.00001.
gnomAD v4.1: 1 of 1,613,832 alleles (0.000062%); highest among the groups gnomAD compares: Non-Finnish European, 0.000085%; no homozygotes.

Submission:

GeneDx
Classification: Uncertain significance. Last evaluated: 2022-12-12. Review status: criteria provided, single submitter. Criteria: GeneDx Variant Classification Process June 2021. Collection method: clinical testing. Allele origin: germline. Affected: yes.
Comment: Not observed at significant frequency in large population cohorts (gnomAD); In silico analysis supports that this missense variant has a deleterious effect on protein structure/function; Has not been previously published as pathogenic or benign to our knowledge

NM_001099274.3(TINF2):c.416A>G (p.Tyr139Cys)

Gene: TINF2 (TERF1 interacting nuclear factor 2; minus strand). Cytogenetic location: 14q12.
Variant type: single nucleotide variant.
Coding change: c.416A>G on transcript NM_001099274.3 (MANE Select); coding-DNA position 416, A replaced by G.
Protein change: p.Tyr139Cys; replaces tyrosine 139 with cysteine.
Molecular consequence: missense variant.
Genome position (GRCh38, 1-based): chr14:24,241,295, T>C on the plus strand (A>G on the coding strand, the complement: TINF2 is on the minus strand). VCF-style: chr14-24241295-T-C. GRCh37 (hg19) VCF-style: chr14-24710501-T-C.
Other names: c.311A>G, p.Tyr104Cys (NM_001363668.2); c.416A>G, p.Tyr139Cys (NM_012461.3); short protein forms Y104C, Y139C.
Identifiers: ClinVar variation 2504720 (VCV002504720.1), dbSNP rs1462457100, ClinGen allele CA389232096.